The following is an entry in ClinVar:

NM_138694.4(PKHD1):c.7310C>A (p.Ser2437Ter)

Gene: PKHD1 (PKHD1 ciliary IPT domain containing fibrocystin/polyductin; minus strand). Cytogenetic location: 6p12.2.
Variant type: single nucleotide variant.
Coding change: c.7310C>A on transcript NM_138694.4 (MANE Select); coding-DNA position 7310, C replaced by A.
Protein change: p.Ser2437Ter; replaces serine 2437 with a stop codon.
Molecular consequence: nonsense.
Genome position (GRCh38, 1-based): chr6:51,883,133, G>T on the plus strand (C>A on the coding strand, the complement: PKHD1 is on the minus strand). VCF-style: chr6-51883133-G-T. GRCh37 (hg19) VCF-style: chr6-51747931-G-T.
Other names: c.7310C>A, p.Ser2437Ter (NM_170724.3); short protein forms S2437*.
Identifiers: ClinVar variation 2503793 (VCV002503793.1), dbSNP rs2536179118, ClinGen allele CA364422004.

ClinVar aggregate classification (germline): Likely pathogenic (1 of 4 stars; one submission).

Conditions:
Polycystic kidney disease 4 (PKD4). Also called: PKD3; POLYCYSTIC KIDNEY DISEASE 4 WITH OR WITHOUT POLYCYSTIC LIVER DISEASE; Autosomal Recessive Polycystic Kidney Disease – PKHD1; POLYCYSTIC KIDNEY AND HEPATIC DISEASE 1; POLYCYSTIC KIDNEY DISEASE, INFANTILE, TYPE I. Identifiers: MedGen C4540575, MONDO:0033004, OMIM 263200.

Submission:

Lifecell International Pvt. Ltd
Classification: Likely pathogenic for Polycystic kidney disease 4. Review status: criteria provided, single submitter. Criteria: ACMG Guidelines, 2015. Collection method: clinical testing. Allele origin: germline. Inheritance: Autosomal recessive inheritance. Affected: yes. Observed: 1 compound heterozygote.
Comment: A Heterozygous Nonsense variant c.7310C>A in Exon 46 of the PKHD1 gene that results in the amino acid substitution p.Ser2437* was identified. The observed variant is novel in gnomAD exomes and genomes, respectively. The severity of the impact of this variant on the protein is high, based on the effect of the protein and REVEL score . Rare Exome Variant Ensemble Learner (REVEL) is an ensembl method for predicting the pathogenicity of missense variants based on a combination of scores from 13 individual tools: MutPred, FATHMM v2.3, VEST 3.0, PolyPhen- 2, SIFT, PROVEAN, MutationAssessor, MutationTaster, LRT, GERP++, SiPhy, phyloP, and phastCons. The REVEL score for an individual missense variant can range from 0 to 1, with higher scores reflecting greater likelihood that the variant is disease-causing. Based on the above evidence this variant has been classified as Likely Pathogenic according to the ACMG guidelines.